The following is an entry in ClinVar:

ClinVar aggregate classification (germline): Likely benign (1 of 4 stars; one submission).

Conditions:
Lissencephaly 4 (LIS4). Also called: Lissencephaly 4 (with microcephaly). Identifiers: Orphanet 1083, MedGen C3151461, MONDO:0013527, OMIM 614019.

Allele frequency attached by ClinVar (database versions not stated): gnomAD 0.00022 and 0.00036; TOPMed 0.00021; 1000 Genomes Project 30x 0.00265; 1000 Genomes Project 0.00319.
gnomAD v4.1: 352 of 619,836 alleles (0.057%); highest among the groups gnomAD compares: East Asian, 0.94%; no homozygotes.

Submission:

Illumina Laboratory Services, Illumina
Classification: Likely benign for Lissencephaly 4. Last evaluated: 2018-01-13. Review status: criteria provided, single submitter. Criteria: ICSL Variant Classification Criteria 13 December 2019. Collection method: clinical testing. Allele origin: germline.
Comment: This variant was observed in the ICSL laboratory as part of a predisposition screen in an ostensibly healthy population. It had not been previously curated by ICSL or reported in the Human Gene Mutation Database (HGMD: prior to June 1st, 2018), and was therefore a candidate for classification through an automated scoring system. Utilizing variant allele frequency, disease prevalence and penetrance estimates, and inheritance mode, an automated score was calculated to assess if this variant is too frequent to cause the disease. Based on the score and internal cut-off values, a variant classified as likely benign is not then subjected to further curation. The score for this variant resulted in a classification of likely benign for this disease.

NM_017668.3(NDE1):c.*943C>T

Genes: MYH11 (myosin heavy chain 11; minus strand), NDE1 (nudE neurodevelopment protein 1; plus strand). Cytogenetic location: 16p13.11.
Variant type: single nucleotide variant.
Coding change: c.*943C>T on transcript NM_017668.3 (MANE Select); 943 bases downstream of the stop codon, C replaced by T.
Molecular consequence: 3 prime UTR variant. On other transcripts: intron variant (4).
Genome position (GRCh38, 1-based): chr16:15,725,194, C>T. VCF-style: chr16-15725194-C-T. GRCh37 (hg19) VCF-style: chr16-15819051-C-T.
Other names: c.3859-202G>A (NM_002474.3, NM_022844.3); c.3880-202G>A (NM_001040114.2, NM_001040113.2); c.*943C>T (NM_001143979.2).
Identifiers: ClinVar variation 318139 (VCV000318139.6), dbSNP rs149894916, ClinGen allele CA10647945.